The following is an entry in ClinVar:

NM_000157.4(GBA1):c.1556T>C (p.Leu519Pro)

Genes: GBA1 (glucosylceramidase beta 1; minus strand), LOC106627981 (GBA recombination region; plus strand). Cytogenetic location: 1q22.
Variant type: single nucleotide variant.
Coding change: c.1556T>C on transcript NM_000157.4 (MANE Select); coding-DNA position 1556, T replaced by C.
Protein change: p.Leu519Pro; replaces leucine 519 with proline.
Molecular consequence: missense variant.
Genome position (GRCh38, 1-based): chr1:155,235,050, A>G on the plus strand (T>C on the coding strand, the complement: GBA1 is on the minus strand). VCF-style: chr1-155235050-A-G. GRCh37 (hg19) VCF-style: chr1-155204841-A-G.
Other names: c.1556T>C, p.Leu519Pro (NM_001005741.3, NM_001005742.3); c.1295T>C, p.Leu432Pro (NM_001171811.2); c.1409T>C, p.Leu470Pro (NM_001171812.2); short protein forms L432P, L470P, L519P.
Identifiers: ClinVar variation 4817738 (VCV004817738.1).

ClinVar aggregate classification (germline): Likely pathogenic (1 of 4 stars; one submission).

Conditions:
Gaucher disease. Also called: Acute cerebral Gaucher disease; Cerebroside lipidosis syndrome; Gaucher splenomegaly; Sphingolipidosis 1; Glucocerebrosidosis; Glucosylceramidase deficiency. Identifiers: Orphanet 355, MedGen C0017205, MONDO:0018150.

Submission:

Natera, Inc.
Classification: Likely pathogenic for Gaucher disease. Last evaluated: 2025-09-17. Review status: criteria provided, single submitter. Criteria: Natera Variant Classification Schema (03/2026). Collection method: clinical testing. Allele origin: germline.
Comment: The c.1556T>C variant in GBA1 is a missense variant predicted to cause substitution of leucine to proline at amino acid 519. This variant is rare in the general population with a frequency below the threshold expected for the associated phenotype(s). This variant has been observed in one or more individuals affected with the associated recessive disease, as either homozygous or compound heterozygous with a second variant (PMID: 34649574, 37926171). This variant has been identified in one or more affected individual with a phenotype highly consistent with the associated gene (PMID: 34649574). Computational prediction algorithms indicate this variant is likely to affect gene or protein function. Given the available evidence, this variant is classified as Likely Pathogenic.

Literature cited by the submitters: PubMed 34649574; PubMed 37926171.